The following is an entry in ClinVar:

ClinVar aggregate classification (germline): Uncertain significance. Review status: criteria provided, multiple submitters, no conflicts (2 of 4 stars). 2 submissions from 2 submitters: Uncertain significance (2). Last evaluated 2021-08-31.

Conditions:
ALG6-congenital disorder of glycosylation 1C (CDG1C). Also called: CARBOHYDRATE-DEFICIENT GLYCOPROTEIN SYNDROME, TYPE I, WITH DEFICIENT GLYCOSYLATION OF DOLICHOL-LINKED OLIGOSACCHARIDE; CARBOHYDRATE-DEFICIENT GLYCOPROTEIN SYNDROME, TYPE V; Congenital disorder of glycosylation type 1C; Congenital disorder of glycosylation, type Ic; CDG Ic. Identifiers: Orphanet 79320, MedGen C2930997, MONDO:0011291, OMIM 603147.

Allele frequency attached by ClinVar (database versions not stated): gnomAD exomes below 0.00001; TOPMed below 0.00001; gnomAD 0.00001.
gnomAD v4.1: 5 of 1,613,598 alleles (0.00031%); highest among the groups gnomAD compares: Non-Finnish European, 0.00042%; no homozygotes.

Submissions (2):

Labcorp Genetics (formerly Invitae), Labcorp
Classification: Uncertain significance for ALG6-congenital disorder of glycosylation 1C. Last evaluated: 2021-08-31. Review status: criteria provided, single submitter. Criteria: Invitae Variant Classification Sherloc (09022015). Collection method: clinical testing. Allele origin: germline.
Comment: This sequence change replaces methionine with valine at codon 456 of the ALG6 protein (p.Met456Val). The methionine residue is weakly conserved and there is a small physicochemical difference between methionine and valine. This variant is not present in population databases (ExAC no frequency). This variant has not been reported in the literature in individuals affected with ALG6-related conditions. Algorithms developed to predict the effect of missense changes on protein structure and function output the following: SIFT: "Tolerated"; PolyPhen-2: "Benign"; Align-GVGD: "Class C0". The valine amino acid residue is found in multiple mammalian species, which suggests that this missense change does not adversely affect protein function. Algorithms developed to predict the effect of sequence changes on RNA splicing suggest that this variant may create or strengthen a splice site. In summary, the available evidence is currently insufficient to determine the role of this variant in disease. Therefore, it has been classified as a Variant of Uncertain Significance.

Fulgent Genetics
Classification: Uncertain significance for ALG6-congenital disorder of glycosylation 1C. Last evaluated: 2021-07-25. Review status: criteria provided, single submitter. Criteria: ACMG Guidelines, 2015. Collection method: clinical testing. Allele origin: unknown.

NM_013339.4(ALG6):c.1366A>G (p.Met456Val)

Gene: ALG6 (ALG6 alpha-1,3-glucosyltransferase; plus strand). Cytogenetic location: 1p31.3.
Variant type: single nucleotide variant.
Coding change: c.1366A>G on transcript NM_013339.4 (MANE Select); coding-DNA position 1366, A replaced by G.
Protein change: p.Met456Val; replaces methionine 456 with valine.
Molecular consequence: missense variant.
Genome position (GRCh38, 1-based): chr1:63,436,862, A>G. VCF-style: chr1-63436862-A-G. GRCh37 (hg19) VCF-style: chr1-63902533-A-G.
Other names: short protein forms M456V.
Identifiers: ClinVar variation 1414315 (VCV001414315.6), dbSNP rs1463890121, ClinGen allele CA340641502.